The following is an entry in ClinVar:

NM_207111.4(RNF216):c.1583_1584del (p.Leu528fs)

Gene: RNF216 (ring finger protein 216; minus strand). Cytogenetic location: 7p22.1.
Variant type: Microsatellite.
Coding change: c.1583_1584del on transcript NM_207111.4 (MANE Select); coding-DNA positions 1583 to 1584, 2 bases deleted (TC; older notation c.1583_1584delTC).
Protein change: p.Leu528fs; shifts the reading frame from leucine 528.
Molecular consequence: frameshift variant.
Genome position (GRCh38, 1-based): chr7:5,721,093-5,721,094, GA deleted on the plus strand (TC on the coding strand, the reverse complement: RNF216 is on the minus strand); deleting any 2 consecutive bases within chr7:5,721,093-5,721,097 gives the same sequence; the c. name uses the placement nearest the transcript's 3' end. VCF-style (leftmost placement, unchanged base first): chr7-5721092-GGA-G. GRCh37 (hg19) VCF-style: chr7-5760723-GGA-G.
Other names: c.1412_1413del, p.Leu471fs (NM_001377156.1, NM_207116.3); short protein forms L471fs, L528fs.
Identifiers: ClinVar variation 2129722 (VCV002129722.4), dbSNP rs2534123200, ClinGen allele CA2580615837.

ClinVar aggregate classification (germline): Pathogenic (1 of 4 stars; one submission).

Submission:

Labcorp Genetics (formerly Invitae), Labcorp
Classification: Pathogenic. Last evaluated: 2022-05-03. Review status: criteria provided, single submitter. Criteria: Invitae Variant Classification Sherloc (09022015). Collection method: clinical testing. Allele origin: germline.
Comment: This sequence change creates a premature translational stop signal (p.Leu528Profs*12) in the RNF216 gene. It is expected to result in an absent or disrupted protein product. Loss-of-function variants in RNF216 are known to be pathogenic (PMID: 24108619, 25841028). This variant is not present in population databases (gnomAD no frequency). For these reasons, this variant has been classified as Pathogenic. This variant has not been reported in the literature in individuals affected with RNF216-related conditions.

Literature cited by the submitters: PubMed 24108619; PubMed 25841028.